The following is an entry in ClinVar:

ClinVar aggregate classification (germline): Uncertain significance (1 of 4 stars; one submission).

Conditions:
Inborn genetic diseases. Identifiers: MedGen C0950123, MeSH D030342.

gnomAD v4.1: 1 of 1,613,508 alleles (0.000062%); highest among the groups gnomAD compares: Non-Finnish European, 0.000085%; no homozygotes.

Submission:

Ambry Genetics
Classification: Uncertain significance for Inborn genetic diseases. Last evaluated: 2025-01-19. Review status: criteria provided, single submitter. Criteria: Ambry Variant Classification Scheme 2023. Collection method: clinical testing. Allele origin: germline.
Comment: The p.R575W variant (also known as c.1723A>T), located in coding exon 19 of the FANCA gene, results from an A to T substitution at nucleotide position 1723. The arginine at codon 575 is replaced by tryptophan, an amino acid with dissimilar properties. This amino acid position is conserved. In addition, this alteration is predicted to be deleterious by in silico analysis. Based on the available evidence, the clinical significance of this variant remains unclear.

NM_000135.4(FANCA):c.1723A>T (p.Arg575Trp)

Gene: FANCA (FA complementation group A; minus strand). Cytogenetic location: 16q24.3.
Variant type: single nucleotide variant.
Coding change: c.1723A>T on transcript NM_000135.4 (MANE Select); coding-DNA position 1723, A replaced by T.
Protein change: p.Arg575Trp; replaces arginine 575 with tryptophan.
Molecular consequence: missense variant.
Genome position (GRCh38, 1-based): chr16:89,778,996, T>A on the plus strand (A>T on the coding strand, the complement: FANCA is on the minus strand). VCF-style: chr16-89778996-T-A. GRCh37 (hg19) VCF-style: chr16-89845404-T-A.
Other names: c.1723A>T, p.Arg575Trp (NM_001286167.3); short protein forms R575W.
Identifiers: ClinVar variation 3848129 (VCV003848129.1).